The following is an entry in ClinVar:

ClinVar aggregate classification (germline): Uncertain significance (1 of 4 stars; one submission).

Submission:

Labcorp Genetics (formerly Invitae), Labcorp
Classification: Uncertain significance. Last evaluated: 2024-01-08. Review status: criteria provided, single submitter. Criteria: Invitae Variant Classification Sherloc (09022015). Collection method: clinical testing. Allele origin: germline.
Comment: This sequence change replaces glycine, which is neutral and non-polar, with glutamic acid, which is acidic and polar, at codon 2381 of the EYS protein (p.Gly2381Glu). This variant is not present in population databases (gnomAD no frequency). This variant has not been reported in the literature in individuals affected with EYS-related conditions. ClinVar contains an entry for this variant (Variation ID: 1907810). Algorithms developed to predict the effect of missense changes on protein structure and function output the following: SIFT: "Not Available"; PolyPhen-2: "Benign"; Align-GVGD: "Not Available". The glutamic acid amino acid residue is found in multiple mammalian species, which suggests that this missense change does not adversely affect protein function. In summary, the available evidence is currently insufficient to determine the role of this variant in disease. Therefore, it has been classified as a Variant of Uncertain Significance.

NM_001142800.2(EYS):c.7142G>A (p.Gly2381Glu)

Gene: EYS (EGF-like photoreceptor maintenance factor; minus strand). Cytogenetic location: 6q12.
Variant type: single nucleotide variant.
Coding change: c.7142G>A on transcript NM_001142800.2 (MANE Select); coding-DNA position 7142, G replaced by A.
Protein change: p.Gly2381Glu; replaces glycine 2381 with glutamic acid.
Molecular consequence: missense variant.
Genome position (GRCh38, 1-based): chr6:63,864,272, C>T on the plus strand (G>A on the coding strand, the complement: EYS is on the minus strand). VCF-style: chr6-63864272-C-T. GRCh37 (hg19) VCF-style: chr6-64574165-C-T.
Other names: c.7142G>A, p.Gly2381Glu (NM_001292009.2); short protein forms G2381E.
Identifiers: ClinVar variation 1907810 (VCV001907810.5), dbSNP rs2532982588, ClinGen allele CA364386485.